The following is an entry in ClinVar:

NM_001370368.2(LOC647264):c.168C>T (p.Tyr56=)

Genes: LOC102723968 (uncharacterized LOC102723968; minus strand), LOC647264 (keratin-associated protein 21-1; minus strand). Cytogenetic location: 13q21.31.
Variant type: single nucleotide variant.
Coding change: c.168C>T on transcript NM_001370368.2 (MANE Select); coding-DNA position 168, C replaced by T.
Protein change: p.Tyr56=; no amino-acid change (tyrosine 56 retained).
Molecular consequence: synonymous variant.
Genome position (GRCh38, 1-based): chr13:63,832,826, G>A on the plus strand (C>T on the coding strand, the complement: LOC647264 is on the minus strand). VCF-style: chr13-63832826-G-A. GRCh37 (hg19) VCF-style: chr13-64406959-G-A.
Identifiers: ClinVar variation 2643834 (VCV002643834.23), dbSNP rs1289097436, ClinGen allele CA699927131.

ClinVar aggregate classification (germline): Likely benign (1 of 4 stars; one submission).

Allele frequency attached by ClinVar (database versions not stated): gnomAD 0.00001.
gnomAD v4.1: 1 of 148,686 alleles (0.00067%); highest among the groups gnomAD compares: African/African-American, 0.0026%; no homozygotes.

Submission:

CeGaT Center for Human Genetics Tuebingen
Classification: Likely benign. Last evaluated: 2022-05-01. Review status: criteria provided, single submitter. Criteria: CeGaT Center For Human Genetics Tuebingen Variant Classification Criteria Version 2. Collection method: clinical testing. Allele origin: germline. Affected: yes. Observed: 1 variant allele.
Comment: AL445238.1: BP4, BP7; LOC647264: BP4, BP7